The following is an entry in ClinVar:

NM_198123.2(CSMD3):c.8190T>G (p.His2730Gln)

Gene: CSMD3 (CUB and Sushi multiple domains 3; minus strand). Cytogenetic location: 8q23.3.
Variant type: single nucleotide variant.
Coding change: c.8190T>G on transcript NM_198123.2 (MANE Select); coding-DNA position 8190, T replaced by G.
Protein change: p.His2730Gln; replaces histidine 2730 with glutamine.
Molecular consequence: missense variant. On other transcripts: intron variant (1).
Genome position (GRCh38, 1-based): chr8:112,304,797, A>C on the plus strand (T>G on the coding strand, the complement: CSMD3 is on the minus strand). VCF-style: chr8-112304797-A-C. GRCh37 (hg19) VCF-style: chr8-113317026-A-C.
Other names: c.7590T>G, p.His2530Gln (NM_001363185.1); c.8070T>G, p.His2690Gln (NM_198124.2); c.7759+1210T>G (NM_052900.3); short protein forms H2530Q, H2730Q, H2690Q.
Identifiers: ClinVar variation 785879 (VCV000785879.5), dbSNP rs34070127, ClinGen allele CA4849051.

ClinVar aggregate classification (germline): Benign. Review status: criteria provided, single submitter (1 of 4 stars). 2 submissions from 2 submitters: Benign (1). 1 of the submissions does not count toward it. Last evaluated 2018-01-22.

Conditions:
CSMD3-related disorder. Also called: CSMD3-related condition.

Allele frequency attached by ClinVar (database versions not stated): gnomAD exomes 0.00079; ExAC 0.00104; 1000 Genomes Project 30x 0.00297; gnomAD 0.00337 and 0.00369; ESP Exome Variant Server 0.00346; TOPMed 0.00352; 1000 Genomes Project 0.00359.
gnomAD v4.1: 1,015 of 1,613,934 alleles (0.063%); highest among the groups gnomAD compares: African/African-American, 1.3%; 5 homozygotes.

Submissions (2):

Labcorp Genetics (formerly Invitae), Labcorp
Classification: Benign. Last evaluated: 2018-01-22. Review status: criteria provided, single submitter. Criteria: Invitae Variant Classification Sherloc (09022015). Collection method: clinical testing. Allele origin: germline.

PreventionGenetics, part of Exact Sciences
Classification: Benign for CSMD3-related condition. Last evaluated: 2019-10-28. Review status: no assertion criteria provided. Collection method: clinical testing. Allele origin: germline. Not counted in ClinVar's aggregate classification.
Comment: This variant is classified as benign based on ACMG/AMP sequence variant interpretation guidelines (Richards et al. 2015 PMID: 25741868, with internal and published modifications).